The following is an entry in ClinVar:

ClinVar aggregate classification (germline): Uncertain significance. Review status: criteria provided, multiple submitters, no conflicts (2 of 4 stars). 2 submissions from 2 submitters: Uncertain significance (2). Last evaluated 2025-12-02.

Conditions:
Inborn genetic diseases. Identifiers: MedGen C0950123, MeSH D030342.
Myopathy, proximal, and ophthalmoplegia (CMYO6). Also called: CONGENITAL MYOPATHY 6 WITH OPHTHALMOPLEGIA; INCLUSION BODY MYOPATHY 3, AUTOSOMAL DOMINANT; MYOPATHY WITH CONGENITAL JOINT CONTRACTURES, OPHTHALMOPLEGIA, AND RIMMED VACUOLES. Identifiers: Orphanet 363677, Orphanet 79091, MedGen C1854106, MONDO:0011577, OMIM 605637.

Allele frequency attached by ClinVar (database versions not stated): gnomAD 0.00001; gnomAD exomes 0.00001 and 0.00003; ExAC 0.00002; TOPMed 0.00003.
gnomAD v4.1: 9 of 1,614,028 alleles (0.00056%); highest among the groups gnomAD compares: Admixed American, 0.015%; no homozygotes.

Submissions (2):

Ambry Genetics
Classification: Uncertain significance for Inborn genetic diseases. Last evaluated: 2025-12-02. Review status: criteria provided, single submitter. Criteria: Ambry Variant Classification Scheme 2023. Collection method: clinical testing. Allele origin: germline.

Labcorp Genetics (formerly Invitae), Labcorp
Classification: Uncertain significance for Myopathy, proximal, and ophthalmoplegia. Last evaluated: 2022-05-12. Review status: criteria provided, single submitter. Criteria: Invitae Variant Classification Sherloc (09022015). Collection method: clinical testing. Allele origin: germline.
Comment: This sequence change replaces valine, which is neutral and non-polar, with alanine, which is neutral and non-polar, at codon 588 of the MYH2 protein (p.Val588Ala). This variant is present in population databases (rs753668463, gnomAD 0.02%). This variant has not been reported in the literature in individuals affected with MYH2-related conditions. Algorithms developed to predict the effect of missense changes on protein structure and function (SIFT, PolyPhen-2, Align-GVGD) all suggest that this variant is likely to be tolerated. In summary, the available evidence is currently insufficient to determine the role of this variant in disease. Therefore, it has been classified as a Variant of Uncertain Significance.

NM_017534.6(MYH2):c.1763T>C (p.Val588Ala)

Genes: MYH2 (myosin heavy chain 2; minus strand), MYHAS (myosin heavy chain gene cluster antisense RNA; plus strand). Cytogenetic location: 17p13.1.
Variant type: single nucleotide variant.
Coding change: c.1763T>C on transcript NM_017534.6 (MANE Select); coding-DNA position 1763, T replaced by C.
Protein change: p.Val588Ala; replaces valine 588 with alanine.
Molecular consequence: missense variant.
Genome position (GRCh38, 1-based): chr17:10,537,367, A>G on the plus strand (T>C on the coding strand, the complement: MYH2 is on the minus strand). VCF-style: chr17-10537367-A-G. GRCh37 (hg19) VCF-style: chr17-10440684-A-G.
Other names: c.1763T>C, p.Val588Ala (NM_001100112.2); c.1763T>C (NM_017534.5); short protein forms V588A.
Identifiers: ClinVar variation 1372940 (VCV001372940.8), dbSNP rs753668463, ClinGen allele CA8391299.